The following is an entry in ClinVar:

NM_001013703.4(EIF2AK4):c.1388G>A (p.Arg463Gln)

Gene: EIF2AK4 (eukaryotic translation initiation factor 2 alpha kinase 4; plus strand). Cytogenetic location: 15q15.1.
Variant type: single nucleotide variant.
Coding change: c.1388G>A on transcript NM_001013703.4 (MANE Select); coding-DNA position 1388, G replaced by A.
Protein change: p.Arg463Gln; replaces arginine 463 with glutamine.
Molecular consequence: missense variant.
Genome position (GRCh38, 1-based): chr15:39,967,714, G>A. VCF-style: chr15-39967714-G-A. GRCh37 (hg19) VCF-style: chr15-40259915-G-A.
Other names: short protein forms R463Q.
Identifiers: ClinVar variation 1304535 (VCV001304535.2), dbSNP rs1303944472, ClinGen allele CA391679752.

ClinVar aggregate classification (germline): Uncertain significance (1 of 4 stars; one submission).

Allele frequency attached by ClinVar (database versions not stated): gnomAD exomes below 0.00001; gnomAD 0.00001.
gnomAD v4.1: 7 of 1,614,030 alleles (0.00043%); highest among the groups gnomAD compares: Admixed American, 0.0033%; no homozygotes.

Submission:

GeneDx
Classification: Uncertain significance. Last evaluated: 2019-06-24. Review status: criteria provided, single submitter. Criteria: GeneDx Variant Classification Process June 2021. Collection method: clinical testing. Allele origin: germline. Affected: yes.
Comment: Has been previously reported as a variant of uncertain significance in the literature (Yang et al., 2018); Not observed at a significant frequency in large population cohorts (Lek et al., 2016); In silico analysis, which includes protein predictors and evolutionary conservation, supports that this variant does not alter protein structure/function; This variant is associated with the following publications: (PMID: 29743074)